The following is an entry in ClinVar:

NM_000157.4(GBA1):c.1240G>C (p.Val414Leu)

Genes: GBA1 (glucosylceramidase beta 1; minus strand), LOC106627981 (GBA recombination region; plus strand). Cytogenetic location: 1q22.
Variant type: single nucleotide variant.
Coding change: c.1240G>C on transcript NM_000157.4 (MANE Select); coding-DNA position 1240, G replaced by C.
Protein change: p.Val414Leu; replaces valine 414 with leucine.
Molecular consequence: missense variant.
Genome position (GRCh38, 1-based): chr1:155,235,829, C>G on the plus strand (G>C on the coding strand, the complement: GBA1 is on the minus strand). VCF-style: chr1-155235829-C-G. GRCh37 (hg19) VCF-style: chr1-155205620-C-G.
Other names: c.1240G>C (NM_000157.3); c.1240G>C, p.Val414Leu (NM_001005741.3, NM_001005742.3); c.979G>C, p.Val327Leu (NM_001171811.2); c.1093G>C, p.Val365Leu (NM_001171812.2); short protein forms V327L, V365L, V414L.
Identifiers: ClinVar variation 1176205 (VCV001176205.41), dbSNP rs398123528, ClinGen allele CA342714108.
Genomic context (GRCh38, chr1:155,235,829, plus strand): 5'-GCACCCAATTGGGTCCTCCTTCGGGGTTCAGGGCAAGGTTCCAGTCGGTCCAGCCGACCA[C>G]ATGGTACAGGAGGTTCTAGGGTAAGGACAAAGGCAAAGAGACAAAGGCGCAACACTGGGG-3'
Protein context (NP_000148.2, residues 404-424): HSIITNLLYH[Val414Leu]VGWTDWNLAL

ClinVar aggregate classification (germline): Pathogenic/Likely pathogenic. Review status: criteria provided, multiple submitters, no conflicts (2 of 4 stars). 4 submissions from 4 submitters: Pathogenic (3); Likely pathogenic (1). Last evaluated 2025-05-12.

Conditions:
Gaucher disease. Also called: Acute cerebral Gaucher disease; Cerebroside lipidosis syndrome; Gaucher splenomegaly; Sphingolipidosis 1; Glucocerebrosidosis; Glucosylceramidase deficiency. Identifiers: Orphanet 355, MedGen C0017205, MONDO:0018150.

Allele frequency attached by ClinVar (database versions not stated): TOPMed below 0.00001.

Submissions (4):

Natera, Inc.
Classification: Pathogenic for Gaucher disease. Last evaluated: 2025-05-12. Review status: criteria provided, single submitter. Criteria: Natera Variant Classification Schema (03/2026). Collection method: clinical testing. Allele origin: germline.
Comment: The c.1240G>C variant in GBA1 is a missense variant predicted to cause substitution of valine to leucine at amino acid 414. This variant is rare in the general population with a frequency below the threshold expected for the associated phenotype(s). This variant has been observed in one or more individuals affected with the associated recessive disease, as either homozygous or compound heterozygous with a second variant (PMID: 29685539, 34930372, 15954102, 36776904). Another variant at this same site results in an alteration predicted to cause a similar molecular effect has been observed in individual(s) with the associated phenotype. Computational prediction algorithms indicate this variant is likely to affect gene or protein function. Given the available evidence, this variant is classified as Pathogenic.

Women's Health and Genetics/Laboratory Corporation of America, LabCorp
Classification: Pathogenic for Gaucher disease. Last evaluated: 2024-07-10. Review status: criteria provided, single submitter. Criteria: LabCorp Variant Classification Summary - May 2015. Collection method: clinical testing. Allele origin: germline.
Comment: Variant summary: GBA1 c.1240G>C (p.Val414Leu) results in a conservative amino acid change in the encoded protein sequence. Three of five in-silico tools predict a damaging effect of the variant on protein function. The variant was absent in 251476 control chromosomes (gnomAD). c.1240G>C has been reported in the literature in multiple individuals affected with Gaucher Disease (e.g. Chen_2005, Feng_2018, Liu_2023). These data indicate that the variant is very likely to be associated with disease. A different variant resulting in the same amino acid consequence has been classified as pathogenic by our lab (c.1240G>T), supporting the pathogenicity of this variant. At least one publication reports experimental evidence evaluating an impact on protein function, finding that the variant results in impaired GCase enzyme activity (Liu_2023). The following publications have been ascertained in the context of this evaluation (PMID: 27865684, 15943874, 36776904). ClinVar contains an entry for this variant (Variation ID: 1176205). Based on the evidence outlined above, the variant was classified as pathogenic.

Revvity Omics, Revvity
Classification: Likely pathogenic. Last evaluated: 2021-09-13. Review status: criteria provided, single submitter. Criteria: ACMG Guidelines, 2015. Collection method: clinical testing. Allele origin: germline.

CeGaT Center for Human Genetics Tuebingen
Classification: Pathogenic. Last evaluated: 2021-04-01. Review status: criteria provided, single submitter. Criteria: CeGaT Center For Human Genetics Tuebingen Variant Classification Criteria Version 2. Collection method: clinical testing. Allele origin: germline. Affected: yes. Observed: 1 variant allele.

Literature cited by the submitters: PubMed 29685539 (cited by Natera, Inc.); PubMed 34930372 (cited by Natera, Inc.); PubMed 15954102 (cited by Natera, Inc.); PubMed 36776904 (cited by Natera, Inc. and Women's Health and Genetics/Laboratory Corporation of America, LabCorp); PubMed 27865684 (cited by Women's Health and Genetics/Laboratory Corporation of America, LabCorp); PubMed 15943874 (cited by Women's Health and Genetics/Laboratory Corporation of America, LabCorp).